The following is an entry in ClinVar:

ClinVar aggregate classification (germline): Uncertain significance (1 of 4 stars; one submission).

Conditions:
Intellectual developmental disorder, autosomal dominant 6, with or without seizures. Also called: Intellectual disability, autosomal dominant 6; GRIN2B-related developmental delay, intellectual disability and autism spectrum disorder. Identifiers: Orphanet 589547, MedGen C3151411, MONDO:0013509, OMIM 613970.

Submission:

Baylor Genetics
Classification: Uncertain significance for Intellectual developmental disorder, autosomal dominant 6, with or without seizures. Last evaluated: 2017-09-01. Review status: criteria provided, single submitter. Criteria: ACMG Guidelines, 2015. Collection method: clinical testing. Allele origin: de novo. Inheritance: Autosomal dominant inheritance. Affected: yes.

Literature cited by the submitters: PubMed 25326635.

NM_000834.5(GRIN2B):c.2071A>G (p.Thr691Ala)

Gene: GRIN2B (glutamate ionotropic receptor NMDA type subunit 2B; minus strand). Cytogenetic location: 12p13.1.
Variant type: single nucleotide variant.
Coding change: c.2071A>G on transcript NM_000834.5 (MANE Select); coding-DNA position 2071, A replaced by G.
Protein change: p.Thr691Ala; replaces threonine 691 with alanine.
Molecular consequence: missense variant.
Genome position (GRCh38, 1-based): chr12:13,571,904, T>C on the plus strand (A>G on the coding strand, the complement: GRIN2B is on the minus strand). VCF-style: chr12-13571904-T-C. GRCh37 (hg19) VCF-style: chr12-13724838-T-C.
Other names: short protein forms T691A.
Identifiers: ClinVar variation 561023 (VCV000561023.2), dbSNP rs1565457892, ClinGen allele CA383999702.